The following is an entry in ClinVar:

NM_004963.4(GUCY2C):c.155A>G (p.Lys52Arg)

Genes: GUCY2C (guanylate cyclase 2C; minus strand), GUCY2C-AS1 (GUCY2C antisense RNA 1; plus strand). Cytogenetic location: 12p12.3.
Variant type: single nucleotide variant.
Coding change: c.155A>G on transcript NM_004963.4 (MANE Select); coding-DNA position 155, A replaced by G.
Protein change: p.Lys52Arg; replaces lysine 52 with arginine.
Molecular consequence: missense variant.
Genome position (GRCh38, 1-based): chr12:14,696,294, T>C on the plus strand (A>G on the coding strand, the complement: GUCY2C is on the minus strand). VCF-style: chr12-14696294-T-C. GRCh37 (hg19) VCF-style: chr12-14849228-T-C.
Other names: short protein forms K52R.
Identifiers: ClinVar variation 2707860 (VCV002707860.3), dbSNP rs746492221, ClinGen allele CA384008934.
Genomic context (GRCh38, chr12:14,696,294, plus strand): 5'-GCATTTTGCAGACGTCCTCTCACTATTTCCAGCCCCTCATTCACCGCATCTTCCAAGTTT[T>C]TCAGGGGCTCTGCAAAGGCTGAGTTGCCCATCATCAGGACGCTGATTTCATAGCTGCCAT-3'
Protein context (NP_004954.2, residues 42-62): MGNSAFAEPL[Lys52Arg]NLEDAVNEGL

ClinVar aggregate classification (germline): Uncertain significance (1 of 4 stars; one submission).

Submission:

Labcorp Genetics (formerly Invitae), Labcorp
Classification: Uncertain significance. Last evaluated: 2024-01-05. Review status: criteria provided, single submitter. Criteria: Invitae Variant Classification Sherloc (09022015). Collection method: clinical testing. Allele origin: germline.
Comment: This sequence change replaces lysine, which is basic and polar, with arginine, which is basic and polar, at codon 52 of the GUCY2C protein (p.Lys52Arg). This variant is not present in population databases (gnomAD no frequency). This variant has not been reported in the literature in individuals affected with GUCY2C-related conditions. Advanced modeling of protein sequence and biophysical properties (such as structural, functional, and spatial information, amino acid conservation, physicochemical variation, residue mobility, and thermodynamic stability) performed at Invitae indicates that this missense variant is not expected to disrupt GUCY2C protein function with a negative predictive value of 80%. In summary, the available evidence is currently insufficient to determine the role of this variant in disease. Therefore, it has been classified as a Variant of Uncertain Significance.